The following is an entry in ClinVar:

NM_201384.3(PLEC):c.10355A>G (p.Gln3452Arg)

Gene: PLEC (plectin; minus strand). Cytogenetic location: 8q24.3.
Variant type: single nucleotide variant.
Coding change: c.10355A>G on transcript NM_201384.3 (MANE Select); coding-DNA position 10355, A replaced by G.
Protein change: p.Gln3452Arg; replaces glutamine 3452 with arginine.
Molecular consequence: missense variant.
Genome position (GRCh38, 1-based): chr8:143,919,466, T>C on the plus strand (A>G on the coding strand, the complement: PLEC is on the minus strand). VCF-style: chr8-143919466-T-C. GRCh37 (hg19) VCF-style: chr8-144993634-T-C.
Other names: c.10436A>G, p.Gln3479Arg (NM_000445.5); c.10313A>G, p.Gln3438Arg (NM_201378.4); c.10289A>G, p.Gln3430Arg (NM_201379.3); c.10766A>G, p.Gln3589Arg (NM_201380.4); c.10259A>G, p.Gln3420Arg (NM_201381.3); c.10355A>G, p.Gln3452Arg (NM_201382.4); c.10367A>G, p.Gln3456Arg (NM_201383.3); short protein forms Q3420R, Q3430R, Q3452R, Q3589R, Q3438R, Q3456R, Q3479R.
Identifiers: ClinVar variation 538931 (VCV000538931.9), dbSNP rs1554678355, ClinGen allele CA372499953.

ClinVar aggregate classification (germline): Uncertain significance (1 of 4 stars; one submission).

Conditions:
Epidermolysis bullosa simplex with nail dystrophy (EBS5D). Identifiers: MedGen C4225309, MONDO:0014661, OMIM 616487.
Epidermolysis bullosa simplex 5B, with muscular dystrophy (EBS5B). Also called: EPIDERMOLYSIS BULLOSA SIMPLEX AND LIMB-GIRDLE MUSCULAR DYSTROPHY; Epidermolysis bullosa simplex with muscular dystrophy. Identifiers: Orphanet 257, MedGen C2931072, MONDO:0009181, OMIM 226670.
Epidermolysis bullosa simplex, Ogna type (EBS5A). Also called: Pidermolysis bullosa simplex 5A, Ogna type; EPIDERMOLYSIS BULLOSA SIMPLEX 5A, OGNA TYPE. Identifiers: Orphanet 79401, MedGen C0432317, MONDO:0007555, OMIM 131950.
Autosomal recessive limb-girdle muscular dystrophy type 2Q (LGMDR17). Also called: MUSCULAR DYSTROPHY, LIMB-GIRDLE, AUTOSOMAL RECESSIVE 17. Identifiers: Orphanet 254361, MedGen C3150989, MONDO:0013390, OMIM 613723.
Epidermolysis bullosa simplex 5C, with pyloric atresia (EBS5C). Also called: PLEC-Related Epidermolysis Bullosa with Pyloric Atresia; Epidermolysis bullosa simplex with pyloric atresia; PLEC1-Related Epidermolysis Bullosa with Pyloric Atresia. Identifiers: Orphanet 158684, MedGen C2677349, MONDO:0012807, OMIM 612138.

Submission:

Labcorp Genetics (formerly Invitae), Labcorp
Classification: Uncertain significance for Autosomal recessive limb-girdle muscular dystrophy type 2Q; Epidermolysis bullosa simplex, Ogna type; Epidermolysis bullosa simplex with nail dystrophy; Epidermolysis bullosa simplex 5C, with pyloric atresia; Epidermolysis bullosa simplex 5B, with muscular dystrophy. Last evaluated: 2022-08-13. Review status: criteria provided, single submitter. Criteria: Invitae Variant Classification Sherloc (09022015). Collection method: clinical testing. Allele origin: germline.
Comment: In summary, the available evidence is currently insufficient to determine the role of this variant in disease. Therefore, it has been classified as a Variant of Uncertain Significance. Algorithms developed to predict the effect of missense changes on protein structure and function (SIFT, PolyPhen-2, Align-GVGD) all suggest that this variant is likely to be tolerated. ClinVar contains an entry for this variant (Variation ID: 538931). This variant has not been reported in the literature in individuals affected with PLEC-related conditions. This variant is not present in population databases (gnomAD no frequency). This sequence change replaces glutamine, which is neutral and polar, with arginine, which is basic and polar, at codon 3479 of the PLEC protein (p.Gln3479Arg).